The following is an entry in ClinVar:

ClinVar aggregate classification (germline): Likely benign. Review status: criteria provided, multiple submitters, no conflicts (2 of 4 stars). 2 submissions from 2 submitters: Likely benign (2). Last evaluated 2024-01-30.

Conditions:
Lesch-Nyhan syndrome (LNS). Also called: Lesch-Nyhan Disease (LND); HPRT DEFICIENCY, COMPLETE. Identifiers: Orphanet 510, MedGen C0023374, MONDO:0010298, OMIM 300322.
Partial hypoxanthine-guanine phosphoribosyltransferase deficiency. Also called: GOUT, HPRT-RELATED; HPRT1 DEFICIENCY, PARTIAL; HPRT DEFICIENCY, PARTIAL; HYPOXANTHINE GUANINE PHOSPHORIBOSYLTRANSFERASE 1 DEFICIENCY, PARTIAL; Kelley-Seegmiller Syndrome. Identifiers: Orphanet 79233, MedGen C0268117, MONDO:0010299, OMIM 300323.

Allele frequency attached by ClinVar (database versions not stated): gnomAD exomes 0.00003; TOPMed 0.00003; gnomAD 0.00005.
gnomAD v4.1: 29 of 960,344 alleles (0.003%); highest among the groups gnomAD compares: Middle Eastern, 0.075%; no homozygotes.

Submissions (2):

Labcorp Genetics (formerly Invitae), Labcorp
Classification: Likely benign for Lesch-Nyhan syndrome; Partial hypoxanthine-guanine phosphoribosyltransferase deficiency. Last evaluated: 2024-01-30. Review status: criteria provided, single submitter. Criteria: Invitae Variant Classification Sherloc (09022015). Collection method: clinical testing. Allele origin: germline.

Women's Health and Genetics/Laboratory Corporation of America, LabCorp
Classification: Likely benign. Last evaluated: 2023-10-24. Review status: criteria provided, single submitter. Criteria: LabCorp Variant Classification Summary - May 2015. Collection method: clinical testing. Allele origin: germline.
Comment: Variant summary: HPRT1 c.319-18T>G alters a non-conserved nucleotide located at a position not widely known to affect splicing. Consensus agreement among computation tools predict no significant impact on normal splicing. However, these predictions have yet to be confirmed by functional studies. The variant allele was found at a frequency of 6.6e-05 in 106402 control chromosomes (gnomAD). The available data on variant occurrences in the general population are insufficient to allow any conclusion about variant significance. To our knowledge, no occurrence of c.319-18T>G in individuals affected with HPRT1-Related Disorders and no experimental evidence demonstrating its impact on protein function have been reported. No submitters have cited clinical-significance assessments for this variant to ClinVar after 2014. Based on the evidence outlined above, the variant was classified as likely benign.

NM_000194.3(HPRT1):c.319-18T>G

Gene: HPRT1 (hypoxanthine phosphoribosyltransferase 1; plus strand). Cytogenetic location: Xq26.2.
Variant type: single nucleotide variant.
Coding change: c.319-18T>G on transcript NM_000194.3 (MANE Select); 18 bases into the intron before coding-DNA position 319, T replaced by G.
Molecular consequence: intron variant.
Genome position (GRCh38, 1-based): chrX:134,486,447, T>G. VCF-style: chrX-134486447-T-G. GRCh37 (hg19) VCF-style: chrX-133620477-T-G.
Identifiers: ClinVar variation 2637426 (VCV002637426.4), dbSNP rs755667656, ClinGen allele CA10521364.